The following is an entry in ClinVar:

NM_005732.4(RAD50):c.1635+3A>G

Gene: RAD50 (RAD50 double strand break repair protein; plus strand). Cytogenetic location: 5q31.1.
Variant type: single nucleotide variant.
Coding change: c.1635+3A>G on transcript NM_005732.4 (MANE Select); 3 bases into the intron after coding-DNA position 1635, A replaced by G.
Molecular consequence: intron variant.
Genome position (GRCh38, 1-based): chr5:132,591,409, A>G. VCF-style: chr5-132591409-A-G. GRCh37 (hg19) VCF-style: chr5-131927101-A-G.
Identifiers: ClinVar variation 480478 (VCV000480478.13), dbSNP rs1554098428, ClinGen allele CA658657510.

ClinVar aggregate classification (germline): Uncertain significance. Review status: criteria provided, multiple submitters, no conflicts (2 of 4 stars). 2 submissions from 2 submitters: Uncertain significance (2). Last evaluated 2023-04-21.

Conditions:
Hereditary cancer-predisposing syndrome. Also called: Hereditary Cancer Syndrome; Neoplastic Syndromes, Hereditary; Tumor predisposition; Hereditary neoplastic syndrome. Identifiers: Orphanet 140162, MedGen C0027672, MeSH D009386, MONDO:0015356.

Allele frequency attached by ClinVar (database versions not stated): gnomAD exomes below 0.00001; TOPMed below 0.00001; gnomAD 0.00001.
gnomAD v4.1: 2 of 1,612,006 alleles (0.00012%); highest among the groups gnomAD compares: Non-Finnish European, 0.00017%; no homozygotes.

Submissions (2):

Ambry Genetics
Classification: Uncertain significance for Hereditary cancer-predisposing syndrome. Last evaluated: 2023-04-21. Review status: criteria provided, single submitter. Criteria: Ambry Variant Classification Scheme 2023. Collection method: clinical testing. Allele origin: germline.
Comment: The c.1635+3A>G intronic variant results from an A to G substitution 3 nucleotides after coding exon 10 in the RAD50 gene. This nucleotide position is highly conserved in available vertebrate species. In silico splice site analysis predicts that this alteration will result in the creation or strengthening of a novel splice donor site. RNA studies have demonstrated that this alteration results in a transcript predicted to lead to a protein with an in-frame deletion of 61 amino acid(s); however, the exact functional impact of the deleted amino acid(s) is unknown at this time (Ambry internal data). Since supporting evidence is limited at this time, the clinical significance of this alteration remains unclear.

Labcorp Genetics (formerly Invitae), Labcorp
Classification: Uncertain significance for Hereditary cancer-predisposing syndrome. Last evaluated: 2022-06-19. Review status: criteria provided, single submitter. Criteria: Invitae Variant Classification Sherloc (09022015). Collection method: clinical testing. Allele origin: germline.
Comment: In summary, the available evidence is currently insufficient to determine the role of this variant in disease. Therefore, it has been classified as a Variant of Uncertain Significance. Variants that disrupt the consensus splice site are a relatively common cause of aberrant splicing (PMID: 17576681, 9536098). Studies have shown that this variant results in skipping of exon 10, but is expected to preserve the integrity of the reading-frame (Invitae). ClinVar contains an entry for this variant (Variation ID: 480478). This variant has not been reported in the literature in individuals affected with RAD50-related conditions. This variant is not present in population databases (gnomAD no frequency). This sequence change falls in intron 10 of the RAD50 gene. It does not directly change the encoded amino acid sequence of the RAD50 protein. RNA analysis indicates that this variant induces altered splicing and likely results in a shortened protein product.

Literature cited by the submitters: PubMed 17576681 (cited by Labcorp Genetics (formerly Invitae), Labcorp); PubMed 9536098 (cited by Labcorp Genetics (formerly Invitae), Labcorp).